The following is an entry in ClinVar:

NM_001113378.2(FANCI):c.2056C>A (p.Gln686Lys)

Gene: FANCI (FA complementation group I; plus strand). Cytogenetic location: 15q26.1.
Variant type: single nucleotide variant.
Coding change: c.2056C>A on transcript NM_001113378.2 (MANE Select); coding-DNA position 2056, C replaced by A.
Protein change: p.Gln686Lys; replaces glutamine 686 with lysine.
Molecular consequence: missense variant.
Genome position (GRCh38, 1-based): chr15:89,292,751, C>A. VCF-style: chr15-89292751-C-A. GRCh37 (hg19) VCF-style: chr15-89835982-C-A.
Other names: c.1777C>A, p.Gln593Lys (NM_001376910.1); c.2056C>A, p.Gln686Lys (NM_001376911.1, NM_018193.3); short protein forms Q686K, Q593K.
Identifiers: ClinVar variation 215783 (VCV000215783.18), dbSNP rs28378332, ClinGen allele CA336111.

ClinVar aggregate classification (germline): Benign/Likely benign. Review status: criteria provided, multiple submitters, no conflicts (2 of 4 stars). 5 submissions from 5 submitters: Benign (3); Likely benign (2). Last evaluated 2026-01-31.

Conditions:
Fanconi anemia (FA). Also called: Fanconi's anemia. Identifiers: Orphanet 84, MedGen C0015625, MeSH D005199, MONDO:0019391.
Fanconi anemia complementation group I (FANCI). Also called: FANCI-Related Fanconi Anemia. Identifiers: Orphanet 84, MedGen C1836861, MONDO:0012186, OMIM 609053.

Allele frequency attached by ClinVar (database versions not stated): gnomAD exomes 0.00129; ExAC 0.00159; gnomAD 0.00434 and 0.00462; ESP Exome Variant Server 0.00462; TOPMed 0.00468; 1000 Genomes Project 0.00659; 1000 Genomes Project 30x 0.00718.
gnomAD v4.1: 1,332 of 1,613,922 alleles (0.083%); highest among the groups gnomAD compares: African/African-American, 1.5%; 9 homozygotes.

Submissions (5):

Labcorp Genetics (formerly Invitae), Labcorp
Classification: Benign for Fanconi anemia. Last evaluated: 2026-01-31. Review status: criteria provided, single submitter. Criteria: Invitae Variant Classification Sherloc (09022015). Collection method: clinical testing. Allele origin: germline.

Genomic Medicine Center of Excellence, King Faisal Specialist Hospital and Research Centre
Classification: Likely benign. Last evaluated: 2025-08-18. Review status: criteria provided, single submitter. Criteria: ACMG Guidelines, 2015. Collection method: clinical testing. Allele origin: germline.

ARUP Laboratories, Molecular Genetics and Genomics, ARUP Laboratories
Classification: Likely benign for Fanconi anemia complementation group I. Last evaluated: 2024-05-07. Review status: criteria provided, single submitter. Criteria: ARUP Molecular Germline Variant Investigation Process 2024. Collection method: clinical testing. Allele origin: germline.

KCCC/NGS Laboratory, Kuwait Cancer Control Center
Classification: Benign for Fanconi anemia complementation group I. Last evaluated: 2023-07-07. Review status: criteria provided, single submitter. Criteria: ACMG Guidelines, 2015. Collection method: clinical testing. Allele origin: germline. Affected: yes.

Illumina Laboratory Services, Illumina
Classification: Benign for Fanconi anemia complementation group I. Last evaluated: 2018-01-13. Review status: criteria provided, single submitter. Criteria: ICSL Variant Classification Criteria 13 December 2019. Collection method: clinical testing. Allele origin: germline.
Comment: This variant was observed in the ICSL laboratory as part of a predisposition screen in an ostensibly healthy population. It had not been previously curated by ICSL or reported in the Human Gene Mutation Database (HGMD: prior to June 1st, 2018), and was therefore a candidate for classification through an automated scoring system. Utilizing variant allele frequency, disease prevalence and penetrance estimates, and inheritance mode, an automated score was calculated to assess if this variant is too frequent to cause the disease. Based on the score and internal cut-off values, a variant classified as benign is not then subjected to further curation. The score for this variant resulted in a classification of benign for this disease.